The following is an entry in ClinVar:

ClinVar aggregate classification (germline): Benign. Review status: criteria provided, multiple submitters, no conflicts (2 of 4 stars). 6 submissions from 6 submitters: Benign (4). 2 of the submissions do not count toward it. Last evaluated 2026-02-03.

Conditions:
Mitochondrial complex I deficiency, nuclear type 15. Also called: Mitochondrial complex 1 deficiency, nuclear type 15. Identifiers: MedGen C4748778, MONDO:0032620, OMIM 618237.
Mitochondrial complex I deficiency, nuclear type 1. Also called: NADH-COENZYME Q REDUCTASE DEFICIENCY; MITOCHONDRIAL NADH DEHYDROGENASE COMPONENT OF COMPLEX I, DEFICIENCY OF. Identifiers: MedGen C6022305, MONDO:0100224, OMIM 252010.

Allele frequency attached by ClinVar (database versions not stated): ESP Exome Variant Server 0.46924; gnomAD 0.48379 and 0.48735; TOPMed 0.49046; 1000 Genomes Project 30x 0.51109; 1000 Genomes Project 0.51498; ExAC 0.51783; gnomAD exomes 0.52081.
gnomAD v4.1: 834,958 of 1,611,970 alleles (52%); highest among the groups gnomAD compares: East Asian, 68%; 218,329 homozygotes.

Submissions (6):

Labcorp Genetics (formerly Invitae), Labcorp
Classification: Benign. Last evaluated: 2026-02-03. Review status: criteria provided, single submitter. Criteria: Invitae Variant Classification Sherloc (09022015). Collection method: clinical testing. Allele origin: germline.

Genome-Nilou Lab
Classification: Benign for Mitochondrial complex I deficiency, nuclear type 15. Last evaluated: 2021-09-05. Review status: criteria provided, single submitter. Criteria: ACMG Guidelines, 2015. Collection method: clinical testing. Allele origin: germline. Affected: no.

Illumina Laboratory Services, Illumina
Classification: Benign for Mitochondrial complex I deficiency, nuclear type 1. Last evaluated: 2018-01-12. Review status: criteria provided, single submitter. Criteria: ICSL Variant Classification Criteria 13 December 2019. Collection method: clinical testing. Allele origin: germline.
Comment: This variant was observed in the ICSL laboratory as part of a predisposition screen in an ostensibly healthy population. It had not been previously curated by ICSL or reported in the Human Gene Mutation Database (HGMD: prior to June 1st, 2018), and was therefore a candidate for classification through an automated scoring system. Utilizing variant allele frequency, disease prevalence and penetrance estimates, and inheritance mode, an automated score was calculated to assess if this variant is too frequent to cause the disease. Based on the score and internal cut-off values, a variant classified as benign is not then subjected to further curation. The score for this variant resulted in a classification of benign for this disease.

GeneDx
Classification: Benign. Last evaluated: 2015-03-03. Review status: criteria provided, single submitter. Criteria: GeneDx Variant Classification Process June 2021. Collection method: clinical testing. Allele origin: germline. Affected: yes.

Mayo Clinic Laboratories, Mayo Clinic
Classification: Benign. Last evaluated: 2016-02-19. Review status: no assertion criteria provided. Collection method: clinical testing. Allele origin: unknown. Not counted in ClinVar's aggregate classification.

Genetic Services Laboratory, University of Chicago
Classification: Likely benign for AllHighlyPenetrant. Review status: no assertion criteria provided. Collection method: clinical testing. Allele origin: germline. Inheritance: Autosomal recessive inheritance. Not counted in ClinVar's aggregate classification.
Comment: Likely benign based on allele frequency in 1000 Genomes Project or ESP global frequency and its presence in a patient with a rare or unrelated disease phenotype. NOT Sanger confirmed.

NM_014165.4(NDUFAF4):c.430T>C (p.Leu144=)

Gene: NDUFAF4 (NADH:ubiquinone oxidoreductase complex assembly factor 4; minus strand). Cytogenetic location: 6q16.1.
Variant type: single nucleotide variant.
Coding change: c.430T>C on transcript NM_014165.4 (MANE Select); coding-DNA position 430, T replaced by C.
Protein change: p.Leu144=; no amino-acid change (leucine 144 retained).
Molecular consequence: synonymous variant.
Genome position (GRCh38, 1-based): chr6:96,891,202, A>G on the plus strand (T>C on the coding strand, the complement: NDUFAF4 is on the minus strand). VCF-style: chr6-96891202-A-G. GRCh37 (hg19) VCF-style: chr6-97339078-A-G.
Identifiers: ClinVar variation 129693 (VCV000129693.26), dbSNP rs6684, ClinGen allele CA153857.